The following is an entry in ClinVar:

NM_004281.4(BAG3):c.908A>G (p.Gln303Arg)

Gene: BAG3 (BAG cochaperone 3; plus strand). Cytogenetic location: 10q26.11.
Variant type: single nucleotide variant.
Coding change: c.908A>G on transcript NM_004281.4 (MANE Select); coding-DNA position 908, A replaced by G.
Protein change: p.Gln303Arg; replaces glutamine 303 with arginine.
Molecular consequence: missense variant.
Genome position (GRCh38, 1-based): chr10:119,672,655, A>G. VCF-style: chr10-119672655-A-G. GRCh37 (hg19) VCF-style: chr10-121432167-A-G.
Other names: short protein forms Q303R.
Identifiers: ClinVar variation 3748951 (VCV003748951.2).

ClinVar aggregate classification (germline): Uncertain significance (1 of 4 stars; one submission).

Conditions:
Myofibrillar myopathy 6. Identifiers: Orphanet 199340, MedGen C2751831, MONDO:0013061, OMIM 612954.
Dilated cardiomyopathy 1HH (CMD1HH). Identifiers: Orphanet 154, MedGen C3151293, MONDO:0013479, OMIM 613881.

Submission:

Labcorp Genetics (formerly Invitae), Labcorp
Classification: Uncertain significance for Dilated cardiomyopathy 1HH; Myofibrillar myopathy 6. Last evaluated: 2024-04-06. Review status: criteria provided, single submitter. Criteria: Invitae Variant Classification Sherloc (09022015). Collection method: clinical testing. Allele origin: germline.
Comment: This sequence change replaces glutamine, which is neutral and polar, with arginine, which is basic and polar, at codon 303 of the BAG3 protein (p.Gln303Arg). This variant is not present in population databases (gnomAD no frequency). This variant has not been reported in the literature in individuals affected with BAG3-related conditions. An algorithm developed to predict the effect of missense changes on protein structure and function (PolyPhen-2) suggests that this variant is likely to be disruptive. Algorithms developed to predict the effect of sequence changes on RNA splicing suggest that this variant may disrupt the consensus splice site. In summary, the available evidence is currently insufficient to determine the role of this variant in disease. Therefore, it has been classified as a Variant of Uncertain Significance.